The following is an entry in ClinVar:

ClinVar aggregate classification (germline): Likely benign (0 of 4 stars; one submission).

Conditions:
LAMC1-related disorder. Also called: LAMC1-related condition.

Allele frequency attached by ClinVar (database versions not stated): gnomAD 0.00001; gnomAD exomes 0.00002; TOPMed 0.00002; ExAC 0.00003.
gnomAD v4.1: 40 of 1,609,968 alleles (0.0025%); highest among the groups gnomAD compares: Middle Eastern, 0.13%; no homozygotes.

Submission:

PreventionGenetics, part of Exact Sciences
Classification: Likely benign for LAMC1-related condition. Last evaluated: 2019-09-23. Review status: no assertion criteria provided. Collection method: clinical testing. Allele origin: germline.
Comment: This variant is classified as likely benign based on ACMG/AMP sequence variant interpretation guidelines (Richards et al. 2015 PMID: 25741868, with internal and published modifications).

NM_002293.4(LAMC1):c.3144G>A (p.Lys1048=)

Gene: LAMC1 (laminin subunit gamma 1; plus strand). Cytogenetic location: 1q25.3.
Variant type: single nucleotide variant.
Coding change: c.3144G>A on transcript NM_002293.4 (MANE Select); coding-DNA position 3144, G replaced by A.
Protein change: p.Lys1048=; no amino-acid change (lysine 1048 retained).
Molecular consequence: synonymous variant.
Genome position (GRCh38, 1-based): chr1:183,128,614, G>A. VCF-style: chr1-183128614-G-A. GRCh37 (hg19) VCF-style: chr1-183097749-G-A.
Identifiers: ClinVar variation 3040748 (VCV003040748.2), dbSNP rs771211298, ClinGen allele CA1281585.